The following is an entry in ClinVar:

ClinVar aggregate classification (germline): Likely pathogenic (1 of 4 stars; one submission).

Conditions:
Pontocerebellar hypoplasia type 1A (PCH1A). Also called: PONTOCEREBELLAR HYPOPLASIA WITH ANTERIOR HORN CELL DISEASE; PONTOCEREBELLAR HYPOPLASIA WITH INFANTILE SPINAL MUSCULAR ATROPHY. Identifiers: Orphanet 2254, Orphanet 88616, MedGen C1843504, MONDO:0011866, OMIM 607596.

Allele frequency attached by ClinVar (database versions not stated): gnomAD exomes 0.00001.
gnomAD v4.1: 12 of 1,612,804 alleles (0.00074%); highest among the groups gnomAD compares: Non-Finnish European, 0.001%; no homozygotes.

Submission:

Labcorp Genetics (formerly Invitae), Labcorp
Classification: Likely pathogenic for Pontocerebellar hypoplasia type 1A. Last evaluated: 2026-01-22. Review status: criteria provided, single submitter. Criteria: Invitae Variant Classification Sherloc (09022015). Collection method: clinical testing. Allele origin: germline.
Comment: This sequence change affects an acceptor splice site in intron 11 of the VRK1 gene. It is expected to disrupt RNA splicing. Variants that disrupt the donor or acceptor splice site typically lead to a loss of protein function (PMID: 16199547), and loss-of-function variants in VRK1 are known to be pathogenic (PMID: 19646678, 24126608, 27281532). This variant is not present in population databases (gnomAD no frequency). This variant has not been reported in the literature in individuals affected with VRK1-related conditions. ClinVar contains an entry for this variant (Variation ID: 2028926). Algorithms developed to predict the effect of sequence changes on RNA splicing suggest that this variant may disrupt the consensus splice site. In summary, the currently available evidence indicates that the variant is pathogenic, but additional data are needed to prove that conclusively. Therefore, this variant has been classified as Likely Pathogenic.

Literature cited by the submitters: PubMed 16199547; PubMed 19646678; PubMed 24126608; PubMed 27281532.

NM_003384.3(VRK1):c.1069-2A>G

Gene: VRK1 (VRK serine/threonine kinase 1; plus strand). Cytogenetic location: 14q32.2.
Variant type: single nucleotide variant.
Coding change: c.1069-2A>G on transcript NM_003384.3 (MANE Select); the canonical splice acceptor site of the intron before coding-DNA position 1069, A replaced by G.
Molecular consequence: splice acceptor variant. On other transcripts: intron variant (1).
Genome position (GRCh38, 1-based): chr14:96,876,028, A>G. VCF-style: chr14-96876028-A-G. GRCh37 (hg19) VCF-style: chr14-97342365-A-G.
Other names: c.1069-2A>G (NM_001411051.1); c.1069-5A>G (NM_001411053.1).
Identifiers: ClinVar variation 2028926 (VCV002028926.4), dbSNP rs2504251871, ClinGen allele CA390932340.